The following is an entry in ClinVar:

NM_012073.5(CCT5):c.480G>C (p.Lys160Asn)

Gene: CCT5 (chaperonin containing TCP1 subunit 5; plus strand). Cytogenetic location: 5p15.2.
Variant type: single nucleotide variant.
Coding change: c.480G>C on transcript NM_012073.5 (MANE Select); coding-DNA position 480, G replaced by C.
Protein change: p.Lys160Asn; replaces lysine 160 with asparagine.
Molecular consequence: missense variant.
Genome position (GRCh38, 1-based): chr5:10,256,103, G>C. VCF-style: chr5-10256103-G-C. GRCh37 (hg19) VCF-style: chr5-10256215-G-C.
Other names: c.417G>C, p.Lys139Asn (NM_001306153.1); c.315G>C, p.Lys105Asn (NM_001306154.2); c.201G>C, p.Lys67Asn (NM_001306155.2); c.366G>C, p.Lys122Asn (NM_001306156.2); short protein forms K160N, K67N, K122N, K105N, K139N.
Identifiers: ClinVar variation 1976493 (VCV001976493.5), dbSNP rs781594471, ClinGen allele CA359181484.

ClinVar aggregate classification (germline): Uncertain significance (1 of 4 stars; one submission).

Conditions:
Hereditary sensory and autonomic neuropathy with spastic paraplegia (HSNSP). Identifiers: Orphanet 139578, MedGen C1850395, MONDO:0009748, OMIM 256840.

gnomAD v4.1: 3 of 1,613,914 alleles (0.00019%); highest among the groups gnomAD compares: Non-Finnish European, 0.00025%; no homozygotes.

Submission:

Labcorp Genetics (formerly Invitae), Labcorp
Classification: Uncertain significance for Hereditary sensory and autonomic neuropathy with spastic paraplegia. Last evaluated: 2025-12-02. Review status: criteria provided, single submitter. Criteria: Invitae Variant Classification Sherloc (09022015). Collection method: clinical testing. Allele origin: germline.
Comment: This sequence change replaces lysine, which is basic and polar, with asparagine, which is neutral and polar, at codon 160 of the CCT5 protein (p.Lys160Asn). This variant is not present in population databases (gnomAD no frequency). This variant has not been reported in the literature in individuals affected with CCT5-related conditions. ClinVar contains an entry for this variant (Variation ID: 1976493). Invitae Evidence Modeling of protein sequence and biophysical properties (such as structural, functional, and spatial information, amino acid conservation, physicochemical variation, residue mobility, and thermodynamic stability) indicates that this missense variant is not expected to disrupt CCT5 protein function with a negative predictive value of 80%. In summary, the available evidence is currently insufficient to determine the role of this variant in disease. Therefore, it has been classified as a Variant of Uncertain Significance.